The following is an entry in ClinVar:

ClinVar aggregate classification (germline): Conflicting classifications of pathogenicity. Review status: criteria provided, conflicting classifications (1 of 4 stars). 5 submissions from 5 submitters: Uncertain significance (3); Likely benign (2). Last evaluated 2026-01-28.

Conditions:
OTOF-related disorder. Also called: OTOF-related condition.
Autosomal recessive nonsyndromic hearing loss 9. Also called: Deafness, autosomal recessive 9; NEUROSENSORY NONSYNDROMIC RECESSIVE DEAFNESS 9; OTOF-Related Hearing Loss; AUDITORY NEUROPATHY, AUTOSOMAL RECESSIVE, 1, TEMPERATURE-SENSITIVE. Identifiers: Orphanet 90636, MedGen C1832828, MONDO:0010986, OMIM 601071.

Allele frequency attached by ClinVar (database versions not stated): gnomAD 0.00010 and 0.00018; TOPMed 0.00013; gnomAD exomes 0.00025 and 0.00039; ESP Exome Variant Server 0.00038; ExAC 0.00041; 1000 Genomes Project 0.00060; 1000 Genomes Project 30x 0.00062.
gnomAD v4.1: 401 of 1,614,168 alleles (0.025%); highest among the groups gnomAD compares: South Asian, 0.23%; 2 homozygotes.

Submissions (5):

Labcorp Genetics (formerly Invitae), Labcorp
Classification: Likely benign. Last evaluated: 2026-01-28. Review status: criteria provided, single submitter. Criteria: Invitae Variant Classification Sherloc (09022015). Collection method: clinical testing. Allele origin: germline.

PreventionGenetics, part of Exact Sciences
Classification: Likely benign for OTOF-related condition. Last evaluated: 2025-07-08. Review status: criteria provided, single submitter. Criteria: ACMG Guidelines, 2015. Collection method: clinical testing. Allele origin: germline.
Comment: This variant is classified as likely benign based on ACMG/AMP sequence variant interpretation guidelines (Richards et al. 2015 PMID: 25741868, with internal and published modifications).

Blueprint Genetics
Classification: Uncertain significance. Last evaluated: 2024-10-21. Review status: criteria provided, single submitter. Criteria: ACMG Guidelines, 2015. Collection method: clinical testing. Allele origin: germline.

Laboratory for Molecular Medicine, Mass General Brigham Personalized Medicine
Classification: Uncertain significance. Last evaluated: 2017-05-02. Review status: criteria provided, single submitter. Criteria: LMM Criteria. Collection method: clinical testing. Allele origin: germline. Observed: 1 variant allele.
Comment: Variant classified as Uncertain Significance - Favor Benign. The p.Glu1548Lys va riant in OTOF has not been previously reported in individuals with hearing loss, but has been identified in 0.21% (64/30778) of South Asian chromosomes by the g enome Aggregation Database (gnomAD; dbSNP rs1 46982209). Although this variant has been seen in the general population, its fr equency is not high enough to rule out a pathogenic role. Computational predicti on tools and conservation analysis suggest that the p.Glu1548Lys variant may imp act the protein, though this information is not predictive enough to determine p athogenicity. In summary, while the clinical significance of the p.Glu1548Lys va riant is uncertain, its frequency in the general population suggests that it is more likely to be benign.

Illumina Laboratory Services, Illumina
Classification: Uncertain significance for Autosomal recessive nonsyndromic hearing loss 9. Last evaluated: 2017-04-27. Review status: criteria provided, single submitter. Criteria: ICSL Variant Classification Criteria 13 December 2019. Collection method: clinical testing. Allele origin: germline.

NM_194248.3(OTOF):c.4642G>A (p.Glu1548Lys)

Gene: OTOF (otoferlin; minus strand). Cytogenetic location: 2p23.3.
Variant type: single nucleotide variant.
Coding change: c.4642G>A on transcript NM_194248.3 (MANE Select); coding-DNA position 4642, G replaced by A.
Protein change: p.Glu1548Lys; replaces glutamic acid 1548 with lysine.
Molecular consequence: missense variant.
Genome position (GRCh38, 1-based): chr2:26,465,829, C>T on the plus strand (G>A on the coding strand, the complement: OTOF is on the minus strand). VCF-style: chr2-26465829-C-T. GRCh37 (hg19) VCF-style: chr2-26688697-C-T.
Other names: c.4642G>A, p.Glu1548Lys (NM_001287489.2); c.2341G>A, p.Glu781Lys (NM_004802.4, NM_194323.3); c.2572G>A, p.Glu858Lys (NM_194322.3); short protein forms E1548K, E781K, E858K.
Identifiers: ClinVar variation 504656 (VCV000504656.18), dbSNP rs146982209, ClinGen allele CA1563077.